The following is an entry in ClinVar:

NM_002972.4(SBF1):c.5152-3C>T

Gene: SBF1 (SET binding factor 1; minus strand). Cytogenetic location: 22q13.33.
Variant type: single nucleotide variant.
Coding change: c.5152-3C>T on transcript NM_002972.4 (MANE Select); 3 bases into the intron before coding-DNA position 5152, C replaced by T.
Molecular consequence: intron variant.
Genome position (GRCh38, 1-based): chr22:50,448,447, G>A on the plus strand (C>T on the coding strand, the complement: SBF1 is on the minus strand). VCF-style: chr22-50448447-G-A. GRCh37 (hg19) VCF-style: chr22-50886876-G-A.
Other names: c.5077-3C>T (NM_001365819.1).
Identifiers: ClinVar variation 1443129 (VCV001443129.6), dbSNP rs373795386, ClinGen allele CA10315949.

ClinVar aggregate classification (germline): Uncertain significance (1 of 4 stars; one submission).

Allele frequency attached by ClinVar (database versions not stated): ExAC 0.00001; gnomAD exomes 0.00002 and 0.00023; gnomAD 0.00003; TOPMed 0.00006; ESP Exome Variant Server 0.00008.
gnomAD v4.1: 331 of 1,613,272 alleles (0.021%); highest among the groups gnomAD compares: Non-Finnish European, 0.028%; no homozygotes.

Submission:

Labcorp Genetics (formerly Invitae), Labcorp
Classification: Uncertain significance. Last evaluated: 2025-01-10. Review status: criteria provided, single submitter. Criteria: Invitae Variant Classification Sherloc (09022015). Collection method: clinical testing. Allele origin: germline.
Comment: This sequence change falls in intron 37 of the SBF1 gene. It does not directly change the encoded amino acid sequence of the SBF1 protein. It affects a nucleotide within the consensus splice site. This variant is present in population databases (rs373795386, gnomAD 0.006%). This variant has not been reported in the literature in individuals affected with SBF1-related conditions. ClinVar contains an entry for this variant (Variation ID: 1443129). Variants that disrupt the consensus splice site are a relatively common cause of aberrant splicing (PMID: 17576681, 9536098). Algorithms developed to predict the effect of sequence changes on RNA splicing suggest that this variant is not likely to affect RNA splicing. In summary, the available evidence is currently insufficient to determine the role of this variant in disease. Therefore, it has been classified as a Variant of Uncertain Significance.

Literature cited by the submitters: PubMed 17576681; PubMed 9536098.